The following is an entry in ClinVar:

NM_001127208.3(TET2):c.1156G>A (p.Val386Met)

Genes: TET2 (tet methylcytosine dioxygenase 2; plus strand), TET2-AS1 (TET2 antisense RNA 1; minus strand). Cytogenetic location: 4q24.
Variant type: single nucleotide variant.
Coding change: c.1156G>A on transcript NM_001127208.3 (MANE Select); coding-DNA position 1156, G replaced by A.
Protein change: p.Val386Met; replaces valine 386 with methionine.
Molecular consequence: missense variant.
Genome position (GRCh38, 1-based): chr4:105,235,098, G>A. VCF-style: chr4-105235098-G-A. GRCh37 (hg19) VCF-style: chr4-106156255-G-A.
Other names: c.1156G>A, p.Val386Met (NM_017628.4); short protein forms V386M.
Identifiers: ClinVar variation 3805882 (VCV003805882.1).

ClinVar aggregate classification (germline): Uncertain significance (1 of 4 stars; one submission).

gnomAD v4.1: 1 of 1,614,034 alleles (0.000062%); highest among the groups gnomAD compares: Non-Finnish European, 0.000085%; no homozygotes.

Submission:

Ambry Genetics
Classification: Uncertain significance. Last evaluated: 2024-12-20. Review status: criteria provided, single submitter. Criteria: Ambry Variant Classification Scheme 2023. Collection method: clinical testing. Allele origin: germline.
Comment: The p.V386M variant (also known as c.1156G>A), located in coding exon 1 of the TET2 gene, results from a G to A substitution at nucleotide position 1156. The valine at codon 386 is replaced by methionine, an amino acid with highly similar properties. This amino acid position is conserved. In addition, this alteration is predicted to be tolerated by in silico analysis. Based on the available evidence, the clinical significance of this variant remains unclear.